The following is an entry in ClinVar:

ClinVar aggregate classification (germline): Conflicting classifications of pathogenicity. Review status: criteria provided, conflicting classifications (1 of 4 stars). 6 submissions from 5 submitters: Uncertain significance (1); Benign (1); Likely benign (4). Last evaluated 2026-01-25.

Conditions:
RASopathy. Also called: Noonan spectrum disorder; rasopathies. Identifiers: Orphanet 536391, MedGen C5555857, MONDO:0021060.
Cardiovascular phenotype. Identifiers: MedGen CN230736.
Fibromatosis, gingival, 1 (GINGF1). Identifiers: Orphanet 2024, MedGen C4551558, MONDO:0007609, OMIM 135300.
Noonan syndrome 4 (NS4). Also called: SOS1-Related Noonan Syndrome; NOONAN SYNDROME WITH PIGMENTED VILLONODULAR SYNOVITIS. Identifiers: Orphanet 648, MedGen C1853120, MONDO:0012547, OMIM 610733.

Allele frequency attached by ClinVar (database versions not stated): gnomAD 0.00002; gnomAD exomes 0.00002 and 0.00006; TOPMed 0.00003; ExAC 0.00007.
gnomAD v4.1: 39 of 1,599,248 alleles (0.0024%); highest among the groups gnomAD compares: Middle Eastern, 0.017%; no homozygotes.

Submissions (7):

Labcorp Genetics (formerly Invitae), Labcorp
Classification: Likely benign for RASopathy. Last evaluated: 2026-01-25. Review status: criteria provided, single submitter. Criteria: Invitae Variant Classification Sherloc (09022015). Collection method: clinical testing. Allele origin: germline.

Blueprint Genetics
Classification: Likely benign. Last evaluated: 2024-01-11. Review status: criteria provided, single submitter. Criteria: ACMG Guidelines, 2015. Collection method: clinical testing. Allele origin: germline.

GeneDx
Classification: Benign. Last evaluated: 2020-10-20. Review status: criteria provided, single submitter. Criteria: GeneDx Variant Classification Process June 2021. Collection method: clinical testing. Allele origin: germline. Affected: yes.

Ambry Genetics
Classification: Likely benign for Cardiovascular phenotype. Last evaluated: 2020-04-07. Review status: criteria provided, single submitter. Criteria: Ambry Variant Classification Scheme 2023. Collection method: clinical testing. Allele origin: germline.

Illumina Laboratory Services, Illumina
Classification: Uncertain significance for Noonan syndrome 4. Last evaluated: 2018-01-13. Review status: criteria provided, single submitter. Criteria: ICSL Variant Classification Criteria 13 December 2019. Collection method: clinical testing. Allele origin: germline.

Illumina Laboratory Services, Illumina
Classification: Likely benign for Fibromatosis, gingival, 1. Last evaluated: 2018-01-13. Review status: criteria provided, single submitter. Criteria: ICSL Variant Classification Criteria 13 December 2019. Collection method: clinical testing. Allele origin: germline.
Comment: This variant was observed in the ICSL laboratory as part of a predisposition screen in an ostensibly healthy population. It had not been previously curated by ICSL or reported in the Human Gene Mutation Database (HGMD: prior to June 1st, 2018), and was therefore a candidate for classification through an automated scoring system. Utilizing variant allele frequency, disease prevalence and penetrance estimates, and inheritance mode, an automated score was calculated to assess if this variant is too frequent to cause the disease. Based on the score and internal cut-off values, a variant classified as likely benign is not then subjected to further curation. The score for this variant resulted in a classification of likely benign for this disease.

Dr. Peter K. Rogan Lab, Western University
No classification provided (evidence only). Condition: Ovarian serous cystadenocarcinoma. Review status: no classification provided. Collection method: in vitro. Allele origin: not applicable. Functional consequence: skipped exon, retained intron. Not counted in ClinVar's aggregate classification.

NM_005633.4(SOS1):c.3347-3C>T

Gene: SOS1 (SOS Ras/Rac guanine nucleotide exchange factor 1; minus strand). Cytogenetic location: 2p22.1.
Variant type: single nucleotide variant.
Coding change: c.3347-3C>T on transcript NM_005633.4 (MANE Select); 3 bases into the intron before coding-DNA position 3347, C replaced by T.
Molecular consequence: intron variant.
Genome position (GRCh38, 1-based): chr2:38,989,317, G>A on the plus strand (C>T on the coding strand, the complement: SOS1 is on the minus strand). VCF-style: chr2-38989317-G-A. GRCh37 (hg19) VCF-style: chr2-39216458-G-A.
Other names: c.3326-3C>T (NM_001382394.1); c.3347-1726C>T (NM_001382395.1).
Identifiers: ClinVar variation 336017 (VCV000336017.17), dbSNP rs779326746, ClinGen allele CA1624206.